The following is an entry in ClinVar:

NM_000138.5(FBN1):c.2017C>T (p.Pro673Ser)

Gene: FBN1 (fibrillin 1; minus strand). Cytogenetic location: 15q21.1.
Variant type: single nucleotide variant.
Coding change: c.2017C>T on transcript NM_000138.5 (MANE Select); coding-DNA position 2017, C replaced by T.
Protein change: p.Pro673Ser; replaces proline 673 with serine.
Molecular consequence: missense variant.
Genome position (GRCh38, 1-based): chr15:48,503,883, G>A on the plus strand (C>T on the coding strand, the complement: FBN1 is on the minus strand). VCF-style: chr15-48503883-G-A. GRCh37 (hg19) VCF-style: chr15-48796080-G-A.
Other names: short protein forms P673S.
Identifiers: ClinVar variation 452287 (VCV000452287.13), dbSNP rs766346620, ClinGen allele CA269549034.

ClinVar aggregate classification (germline): Uncertain significance. Review status: criteria provided, multiple submitters, no conflicts (2 of 4 stars). 5 submissions from 5 submitters: Uncertain significance (5). Last evaluated 2026-04-22.

Conditions:
Pneumothorax - familial.
Marfan syndrome (MFS). Also called: MARFAN SYNDROME, TYPE I; FBN1-Related Marfan Syndrome; Marfan syndrome type 1; Marfan's syndrome; Marfan syndrome, classic. Identifiers: Orphanet 284963, Orphanet 558, MedGen C0024796, MONDO:0007947, OMIM 154700.
Familial thoracic aortic aneurysm and aortic dissection (TAAD). Also called: Thoracic aortic aneurysms and dissections. Identifiers: Orphanet 91387, MedGen C4707243, MONDO:0019625.

Allele frequency attached by ClinVar (database versions not stated): TOPMed 0.00001; gnomAD exomes 0.00005; gnomAD 0.00001.
gnomAD v4.1: 72 of 1,614,058 alleles (0.0045%); highest among the groups gnomAD compares: Non-Finnish European, 0.0061%; no homozygotes.

Submissions (5):

NHS Central & South Genomic Laboratory Hub
Classification: Uncertain significance for Pneumothorax - familial. Last evaluated: 2026-04-22. Review status: criteria provided, single submitter. Criteria: ACMG Guidelines, 2015. Collection method: clinical testing. Allele origin: germline. Affected: yes.

GeneDx
Classification: Uncertain significance. Last evaluated: 2025-09-02. Review status: criteria provided, single submitter. Criteria: GeneDx Variant Classification Process June 2021. Collection method: clinical testing. Allele origin: germline. Affected: yes.
Comment: Reported in an individual with short stature and intellectual disability who also has variants in several other genes, including the SOS1 gene (PMID: 38087044); Not observed at significant frequency in large population cohorts (gnomAD); In silico analysis supports that this missense variant has a deleterious effect on protein structure/function; Does not affect a cysteine or calcium-binding residue within an EGF-like domain or a TGF-binding protein domain of the FBN1 gene; cysteine substitutions in the EGF-like domains represent the majority of pathogenic missense changes associated with FBN1-related disorders (PMID: 12938084); This variant is associated with the following publications: (PMID: 12938084, 38087044)

Color Diagnostics, LLC DBA Color Health
Classification: Uncertain significance for Familial thoracic aortic aneurysm and aortic dissection. Last evaluated: 2025-05-20. Review status: criteria provided, single submitter. Criteria: ACMG Guidelines, 2015. Collection method: clinical testing. Allele origin: germline.
Comment: This missense variant replaces proline with serine at codon 673 of the FBN1 protein. Computational prediction suggests that this variant may have a deleterious impact on protein structure and function. To our knowledge, functional studies have not been reported for this variant. This variant has not been reported in individuals affected with FBN1-related disorders in the literature. This variant has not been identified in the general population by the Genome Aggregation Database (gnomAD). The available evidence is insufficient to determine the role of this variant in disease conclusively. Therefore, this variant is classified as a Variant of Uncertain Significance.

Labcorp Genetics (formerly Invitae), Labcorp
Classification: Uncertain significance for Marfan syndrome; Familial thoracic aortic aneurysm and aortic dissection. Last evaluated: 2024-08-15. Review status: criteria provided, single submitter. Criteria: Invitae Variant Classification Sherloc (09022015). Collection method: clinical testing. Allele origin: germline.
Comment: This sequence change replaces proline, which is neutral and non-polar, with serine, which is neutral and polar, at codon 673 of the FBN1 protein (p.Pro673Ser). This variant is not present in population databases (gnomAD no frequency). This missense change has been observed in individual(s) with clinical features of FBN1-related conditions (Invitae). ClinVar contains an entry for this variant (Variation ID: 452287). Invitae Evidence Modeling of protein sequence and biophysical properties (such as structural, functional, and spatial information, amino acid conservation, physicochemical variation, residue mobility, and thermodynamic stability) indicates that this missense variant is expected to disrupt FBN1 protein function with a positive predictive value of 95%. In summary, the available evidence is currently insufficient to determine the role of this variant in disease. Therefore, it has been classified as a Variant of Uncertain Significance.

All of Us Research Program, National Institutes of Health
Classification: Uncertain significance for Marfan syndrome. Last evaluated: 2023-05-23. Review status: criteria provided, single submitter. Criteria: ACMG Guidelines, 2015. Collection method: clinical testing. Allele origin: germline. Inheritance: Autosomal dominant inheritance. Observed: 1 variant allele, 1 heterozygote.
Comment: This study involves interpretation of variants in research participants for the purpose of population health screening. Participant phenotype was not available at the time of variant classification. Additional details can be found in publication PMID: 35346344, PMCID: PMC8962531